The following is an entry in ClinVar:

ClinVar aggregate classification (germline): Uncertain significance (1 of 4 stars; one submission).

Conditions:
Cardiovascular phenotype. Identifiers: MedGen CN230736.

gnomAD v4.1: 3 of 1,611,236 alleles (0.00019%); highest among the groups gnomAD compares: Non-Finnish European, 0.00025%; no homozygotes.

Submission:

Ambry Genetics
Classification: Uncertain significance for Cardiovascular phenotype. Last evaluated: 2023-10-19. Review status: criteria provided, single submitter. Criteria: Ambry Variant Classification Scheme 2023. Collection method: clinical testing. Allele origin: germline.
Comment: The p.P72S variant (also known as c.214C>T), located in coding exon 3 of the CACNA2D1 gene, results from a C to T substitution at nucleotide position 214. The proline at codon 72 is replaced by serine, an amino acid with similar properties. This amino acid position is conserved. In addition, this alteration is predicted to be tolerated by in silico analysis. Since supporting evidence is limited at this time, the clinical significance of this alteration remains unclear.

NM_000722.4(CACNA2D1):c.214C>T (p.Pro72Ser)

Gene: CACNA2D1 (calcium voltage-gated channel auxiliary subunit alpha2delta 1; minus strand). Cytogenetic location: 7q21.11.
Variant type: single nucleotide variant.
Coding change: c.214C>T on transcript NM_000722.4 (MANE Select); coding-DNA position 214, C replaced by T.
Protein change: p.Pro72Ser; replaces proline 72 with serine.
Molecular consequence: missense variant.
Genome position (GRCh38, 1-based): chr7:82,335,215, G>A on the plus strand (C>T on the coding strand, the complement: CACNA2D1 is on the minus strand). VCF-style: chr7-82335215-G-A. GRCh37 (hg19) VCF-style: chr7-81964531-G-A.
Other names: c.214C>T, p.Pro72Ser (NM_001302890.2, NM_001366867.1); short protein forms P72S.
Identifiers: ClinVar variation 3232258 (VCV003232258.1), dbSNP rs761234382, ClinGen allele CA368017899.